The following is an entry in ClinVar:

ClinVar aggregate classification (germline): Uncertain significance (1 of 4 stars; one submission).

Conditions:
EFTUD2-related disorder. Also called: EFTUD2-related condition.

gnomAD v4.1: 11 of 1,614,176 alleles (0.00068%); highest among the groups gnomAD compares: Non-Finnish European, 0.00085%; no homozygotes.

Submission:

PreventionGenetics, part of Exact Sciences
Classification: Uncertain significance for EFTUD2-related condition. Last evaluated: 2025-09-25. Review status: criteria provided, single submitter. Criteria: ACMG Guidelines, 2015. Collection method: clinical testing. Allele origin: germline.
Comment: The EFTUD2 c.261G>T variant is predicted to result in the amino acid substitution p.Gln87His. To our knowledge, this variant has not been reported in the literature. This variant is reported in 0.00088% of alleles in individuals of European (Non-Finnish) descent in gnomAD. At this time, the clinical significance of this variant is uncertain due to the absence of conclusive functional and genetic evidence.

NM_004247.4(EFTUD2):c.261G>T (p.Gln87His)

Gene: EFTUD2 (elongation factor Tu GTP binding domain containing 2; minus strand). Cytogenetic location: 17q21.31.
Variant type: single nucleotide variant.
Coding change: c.261G>T on transcript NM_004247.4 (MANE Select); coding-DNA position 261, G replaced by T.
Protein change: p.Gln87His; replaces glutamine 87 with histidine.
Molecular consequence: missense variant.
Genome position (GRCh38, 1-based): chr17:44,886,595, C>A on the plus strand (G>T on the coding strand, the complement: EFTUD2 is on the minus strand). VCF-style: chr17-44886595-C-A. GRCh37 (hg19) VCF-style: chr17-42963963-C-A.
Other names: c.156G>T, p.Gln52His (NM_001142605.2); c.261G>T, p.Gln87His (NM_001258353.2, NM_001258354.2); short protein forms Q87H, Q52H.
Identifiers: ClinVar variation 4986485 (VCV004986485.1).